The following is an entry in ClinVar:

NM_001868.4(CPA1):c.586-2A>G

Gene: CPA1 (carboxypeptidase A1; plus strand). Cytogenetic location: 7q32.2.
Variant type: single nucleotide variant.
Coding change: c.586-2A>G on transcript NM_001868.4 (MANE Select); the canonical splice acceptor site of the intron before coding-DNA position 586, A replaced by G.
Molecular consequence: splice acceptor variant.
Genome position (GRCh38, 1-based): chr7:130,383,682, A>G. VCF-style: chr7-130383682-A-G. GRCh37 (hg19) VCF-style: chr7-130023523-A-G.
Identifiers: ClinVar variation 1510298 (VCV001510298.9), dbSNP rs782465366, ClinGen allele CA4484865.

ClinVar aggregate classification (germline): Uncertain significance. Review status: criteria provided, multiple submitters, no conflicts (2 of 4 stars). 2 submissions from 2 submitters: Uncertain significance (2). Last evaluated 2025-03-11.

Conditions:
Hereditary pancreatitis (PCTT). Also called: Hereditary chronic pancreatitis; PRSS1-Related Hereditary Pancreatitis. Identifiers: Orphanet 676, MedGen C0238339, MONDO:0008185, OMIM 167800.

Allele frequency attached by ClinVar (database versions not stated): TOPMed below 0.00001; gnomAD 0.00001; gnomAD exomes 0.00002 and 0.00003; ExAC 0.00004.
gnomAD v4.1: 29 of 1,610,670 alleles (0.0018%); highest among the groups gnomAD compares: East Asian, 0.062%; no homozygotes.

Submissions (2):

Ambry Genetics
Classification: Uncertain significance for Hereditary pancreatitis. Last evaluated: 2025-03-11. Review status: criteria provided, single submitter. Criteria: Ambry Variant Classification Scheme 2023. Collection method: clinical testing. Allele origin: germline.
Comment: The c.586-2A>G intronic variant results from an A to G substitution two nucleotides upstream from coding exon 6 in the CPA1 gene. This nucleotide position is highly conserved in available vertebrate species. In silico splice site analysis predicts that this alteration will weaken the native splice acceptor site and may result in the creation or strengthening of a novel splice acceptor site. However, these models predict exon skipping that would result in an in-frame transcript with unknown functional impact. Based on the available evidence, the clinical significance of this variant remains unclear.

Labcorp Genetics (formerly Invitae), Labcorp
Classification: Uncertain significance. Last evaluated: 2023-09-04. Review status: criteria provided, single submitter. Criteria: Invitae Variant Classification Sherloc (09022015). Collection method: clinical testing. Allele origin: germline.
Comment: This sequence change affects an acceptor splice site in intron 5 of the CPA1 gene. It is expected to disrupt RNA splicing. Variants that disrupt the donor or acceptor splice site typically lead to a loss of protein function (PMID: 16199547), however the current clinical and genetic evidence is not sufficient to establish whether loss-of-function variants in CPA1 cause disease. This variant is present in population databases (rs782465366, gnomAD 0.05%). This variant has not been reported in the literature in individuals affected with CPA1-related conditions. ClinVar contains an entry for this variant (Variation ID: 1510298). Algorithms developed to predict the effect of sequence changes on RNA splicing suggest that this variant may disrupt the consensus splice site. In summary, the available evidence is currently insufficient to determine the role of this variant in disease. Therefore, it has been classified as a Variant of Uncertain Significance.

Literature cited by the submitters: PubMed 16199547 (cited by Labcorp Genetics (formerly Invitae), Labcorp).